The following is an entry in ClinVar:

ClinVar aggregate classification (germline): Uncertain significance. Review status: criteria provided, multiple submitters, no conflicts (2 of 4 stars). 2 submissions from 2 submitters: Uncertain significance (2). Last evaluated 2025-09-26.

Allele frequency attached by ClinVar (database versions not stated): ExAC 0.00006; ESP Exome Variant Server 0.00008; gnomAD exomes 0.00008; TOPMed 0.00009; 1000 Genomes Project 0.00040; 1000 Genomes Project 30x 0.00047.
gnomAD v4.1: 113 of 1,611,944 alleles (0.007%); highest among the groups gnomAD compares: Admixed American, 0.03%; no homozygotes.

Submissions (2):

Ambry Genetics
Classification: Uncertain significance. Last evaluated: 2025-09-26. Review status: criteria provided, single submitter. Criteria: Ambry Variant Classification Scheme 2023. Collection method: clinical testing. Allele origin: germline.

Labcorp Genetics (formerly Invitae), Labcorp
Classification: Uncertain significance. Last evaluated: 2024-11-11. Review status: criteria provided, single submitter. Criteria: Invitae Variant Classification Sherloc (09022015). Collection method: clinical testing. Allele origin: germline.
Comment: This sequence change replaces arginine, which is basic and polar, with glycine, which is neutral and non-polar, at codon 89 of the CCT2 protein (p.Arg89Gly). This variant is present in population databases (rs371158821, gnomAD 0.03%). This variant has not been reported in the literature in individuals affected with CCT2-related conditions. ClinVar contains an entry for this variant (Variation ID: 842316). An algorithm developed to predict the effect of missense changes on protein structure and function (PolyPhen-2) suggests that this variant is likely to be tolerated. In summary, the available evidence is currently insufficient to determine the role of this variant in disease. Therefore, it has been classified as a Variant of Uncertain Significance.

NM_006431.3(CCT2):c.265A>G (p.Arg89Gly)

Gene: CCT2 (chaperonin containing TCP1 subunit 2; plus strand). Cytogenetic location: 12q15.
Variant type: single nucleotide variant.
Coding change: c.265A>G on transcript NM_006431.3 (MANE Select); coding-DNA position 265, A replaced by G.
Protein change: p.Arg89Gly; replaces arginine 89 with glycine.
Molecular consequence: missense variant.
Genome position (GRCh38, 1-based): chr12:69,587,938, A>G. VCF-style: chr12-69587938-A-G. GRCh37 (hg19) VCF-style: chr12-69981718-A-G.
Other names: c.124A>G, p.Arg42Gly (NM_001198842.2); short protein forms R42G, R89G.
Identifiers: ClinVar variation 842316 (VCV000842316.10), dbSNP rs371158821, ClinGen allele CA6680526.